The following is an entry in ClinVar:

NM_000202.8(IDS):c.1207C>G (p.Leu403Val)

Gene: IDS (iduronate 2-sulfatase; minus strand). Cytogenetic location: Xq28.
Variant type: single nucleotide variant.
Coding change: c.1207C>G on transcript NM_000202.8 (MANE Select); coding-DNA position 1207, C replaced by G.
Protein change: p.Leu403Val; replaces leucine 403 with valine.
Molecular consequence: missense variant.
Genome position (GRCh38, 1-based): chrX:149,483,192, G>C on the plus strand (C>G on the coding strand, the complement: IDS is on the minus strand). VCF-style: chrX-149483192-G-C. GRCh37 (hg19) VCF-style: chrX-148564723-G-C.
Other names: c.937C>G, p.Leu313Val (NM_001166550.4); short protein forms L313V, L403V.
Identifiers: ClinVar variation 2027017 (VCV002027017.4), dbSNP rs2520758659, ClinGen allele CA414518579.
Genomic context (GRCh38, chrX:149,483,192, plus strand): 5'-GGCAGCGAGGTGGAACCTGCAGTCCTGCAAGTCCAGCCAGCGTGGGAAAAAGAGACACAA[G>C]TTCCACAAGGTCCATGGATTGCCTGCCTGAAACAGGAAGCGACAGAGCAGAATGGGTTAC-3'
Protein context (NP_000193.1, residues 393-413): PGRQSMDLVE[Leu403Val]VSLFPTLAGL

ClinVar aggregate classification (germline): Uncertain significance (1 of 4 stars; one submission).

Conditions:
Mucopolysaccharidosis, MPS-II (MPS2). Also called: Hunter Syndrome; IDS deficiency; Sulfoiduronate sulfatase deficiency; SIDS deficiency; Mucopolysaccharidosis type 2; IDURONATE 2-SULFATASE DEFICIENCY. Identifiers: Orphanet 580, Orphanet 79388, MedGen C0026705, MONDO:0010674, OMIM 309900.

Submission:

Labcorp Genetics (formerly Invitae), Labcorp
Classification: Uncertain significance for Mucopolysaccharidosis, MPS-II. Last evaluated: 2022-08-25. Review status: criteria provided, single submitter. Criteria: Invitae Variant Classification Sherloc (09022015). Collection method: clinical testing. Allele origin: germline.
Comment: In summary, the available evidence is currently insufficient to determine the role of this variant in disease. Therefore, it has been classified as a Variant of Uncertain Significance. This variant disrupts the p.Leu403 amino acid residue in IDS. Other variant(s) that disrupt this residue have been determined to be pathogenic (PMID: 8940265, 9660053, 18500569). This suggests that this residue is clinically significant, and that variants that disrupt this residue are likely to be disease-causing. Advanced modeling of protein sequence and biophysical properties (such as structural, functional, and spatial information, amino acid conservation, physicochemical variation, residue mobility, and thermodynamic stability) performed at Invitae indicates that this missense variant is expected to disrupt IDS protein function. This variant has not been reported in the literature in individuals affected with IDS-related conditions. This variant is not present in population databases (gnomAD no frequency). This sequence change replaces leucine, which is neutral and non-polar, with valine, which is neutral and non-polar, at codon 403 of the IDS protein (p.Leu403Val).

Literature cited by the submitters: PubMed 8940265; PubMed 9660053; PubMed 18500569.